The following is an entry in ClinVar:

NM_006939.4(SOS2):c.3838A>C (p.Ser1280Arg)

Gene: SOS2 (SOS Ras/Rho guanine nucleotide exchange factor 2; minus strand). Cytogenetic location: 14q21.3.
Variant type: single nucleotide variant.
Coding change: c.3838A>C on transcript NM_006939.4 (MANE Select); coding-DNA position 3838, A replaced by C.
Protein change: p.Ser1280Arg; replaces serine 1280 with arginine.
Molecular consequence: missense variant.
Genome position (GRCh38, 1-based): chr14:50,118,505, T>G on the plus strand (A>C on the coding strand, the complement: SOS2 is on the minus strand). VCF-style: chr14-50118505-T-G. GRCh37 (hg19) VCF-style: chr14-50585223-T-G.
Other names: c.3739A>C, p.Ser1247Arg (NM_001411020.1); short protein forms S1247R, S1280R.
Identifiers: ClinVar variation 3167643 (VCV003167643.2), dbSNP rs2502755092, ClinGen allele CA389637455.

ClinVar aggregate classification (germline): Uncertain significance. Review status: criteria provided, multiple submitters, no conflicts (2 of 4 stars). 2 submissions from 2 submitters: Uncertain significance (2). Last evaluated 2025-11-12.

Conditions:
Cardiovascular phenotype. Identifiers: MedGen CN230736.
Noonan syndrome 9 (NS9). Identifiers: Orphanet 648, MedGen C4225282, MONDO:0014691, OMIM 616559.

Submissions (2):

Labcorp Genetics (formerly Invitae), Labcorp
Classification: Uncertain significance for Noonan syndrome 9. Last evaluated: 2025-11-12. Review status: criteria provided, single submitter. Criteria: Invitae Variant Classification Sherloc (09022015). Collection method: clinical testing. Allele origin: germline.
Comment: This sequence change replaces serine, which is neutral and polar, with arginine, which is basic and polar, at codon 1280 of the SOS2 protein (p.Ser1280Arg). This variant is not present in population databases (gnomAD no frequency). This variant has not been reported in the literature in individuals affected with SOS2-related conditions. ClinVar contains an entry for this variant (Variation ID: 3167643). Invitae Evidence Modeling of protein sequence and biophysical properties (such as structural, functional, and spatial information, amino acid conservation, physicochemical variation, residue mobility, and thermodynamic stability) indicates that this missense variant is not expected to disrupt SOS2 protein function with a negative predictive value of 95%. In summary, the available evidence is currently insufficient to determine the role of this variant in disease. Therefore, it has been classified as a Variant of Uncertain Significance.

Ambry Genetics
Classification: Uncertain significance for Cardiovascular phenotype. Last evaluated: 2023-12-09. Review status: criteria provided, single submitter. Criteria: Ambry Variant Classification Scheme 2023. Collection method: clinical testing. Allele origin: germline.